The following is an entry in ClinVar:

ClinVar aggregate classification (germline): Likely pathogenic (1 of 4 stars; one submission).

Submission:

Labcorp Genetics (formerly Invitae), Labcorp
Classification: Likely pathogenic. Last evaluated: 2025-09-07. Review status: criteria provided, single submitter. Criteria: Invitae Variant Classification Sherloc (09022015). Collection method: clinical testing. Allele origin: germline.
Comment: This sequence change affects an acceptor splice site in intron 16 of the KIF11 gene. It is expected to disrupt RNA splicing. Variants that disrupt the donor or acceptor splice site typically lead to a loss of protein function (PMID: 16199547), and loss-of-function variants in KIF11 are known to be pathogenic (PMID: 22284827, 24281367). This variant is not present in population databases (gnomAD no frequency). This variant has not been reported in the literature in individuals affected with KIF11-related conditions. Algorithms developed to predict the effect of sequence changes on RNA splicing suggest that this variant may disrupt the consensus splice site. In summary, the currently available evidence indicates that the variant is pathogenic, but additional data are needed to prove that conclusively. Therefore, this variant has been classified as Likely Pathogenic.

Literature cited by the submitters: PubMed 16199547; PubMed 22284827; PubMed 24281367.

NM_004523.4(KIF11):c.2161-2A>C

Gene: KIF11 (kinesin family member 11; plus strand). Cytogenetic location: 10q23.33.
Variant type: single nucleotide variant.
Coding change: c.2161-2A>C on transcript NM_004523.4 (MANE Select); the canonical splice acceptor site of the intron before coding-DNA position 2161, A replaced by C.
Molecular consequence: splice acceptor variant.
Genome position (GRCh38, 1-based): chr10:92,639,792, A>C. VCF-style: chr10-92639792-A-C. GRCh37 (hg19) VCF-style: chr10-94399549-A-C.
Identifiers: ClinVar variation 4726768 (VCV004726768.1).
Genomic context (GRCh38, chr10:92,639,792, plus strand): 5'-TCATAAAAAATGTTCAAGTGTCATAATTTTAAGTCTCTTCACTTCCCACACCTTTCTTAC[A>C]GGAACTTTGCAAGTTAATGAATCTTTGGACAGAGAGATTCTGTGCTTTGGAGGAAAAGTG-3'